The following is an entry in ClinVar:

ClinVar aggregate classification (germline): Benign/Likely benign. Review status: criteria provided, multiple submitters, no conflicts (2 of 4 stars). 4 submissions from 4 submitters: Benign (1); Likely benign (3). Last evaluated 2025-06-11.

Conditions:
Charcot-Marie-Tooth disease dominant intermediate C (CMTDIC). Also called: CHARCOT-MARIE-TOOTH NEUROPATHY, DOMINANT INTERMEDIATE C. Identifiers: Orphanet 100045, MedGen C1842237, MONDO:0012012, OMIM 608323.
YARS1-related disorder. Also called: YARS1-related condition.

Allele frequency attached by ClinVar (database versions not stated): gnomAD 0.00002; gnomAD exomes 0.00002 and 0.00003; TOPMed 0.00002; ExAC 0.00003.
gnomAD v4.1: 34 of 1,614,124 alleles (0.0021%); highest among the groups gnomAD compares: South Asian, 0.0033%; no homozygotes.

Submissions (4):

Labcorp Genetics (formerly Invitae), Labcorp
Classification: Likely benign for Charcot-Marie-Tooth disease dominant intermediate C. Last evaluated: 2025-06-11. Review status: criteria provided, single submitter. Criteria: Invitae Variant Classification Sherloc (09022015). Collection method: clinical testing. Allele origin: germline.

PreventionGenetics, part of Exact Sciences
Classification: Likely benign for YARS1-related condition. Last evaluated: 2025-02-28. Review status: criteria provided, single submitter. Criteria: ACMG Guidelines, 2015. Collection method: clinical testing. Allele origin: germline.
Comment: This variant is classified as likely benign based on ACMG/AMP sequence variant interpretation guidelines (Richards et al. 2015 PMID: 25741868, with internal and published modifications).

Blueprint Genetics
Classification: Likely benign. Last evaluated: 2024-11-21. Review status: criteria provided, single submitter. Criteria: ACMG Guidelines, 2015. Collection method: clinical testing. Allele origin: germline.

Illumina Laboratory Services, Illumina
Classification: Benign for Charcot-Marie-Tooth disease dominant intermediate C. Last evaluated: 2018-01-13. Review status: criteria provided, single submitter. Criteria: ICSL Variant Classification Criteria 13 December 2019. Collection method: clinical testing. Allele origin: germline.
Comment: This variant was observed in the ICSL laboratory as part of a predisposition screen in an ostensibly healthy population. It had not been previously curated by ICSL or reported in the Human Gene Mutation Database (HGMD: prior to June 1st, 2018), and was therefore a candidate for classification through an automated scoring system. Utilizing variant allele frequency, disease prevalence and penetrance estimates, and inheritance mode, an automated score was calculated to assess if this variant is too frequent to cause the disease. Based on the score and internal cut-off values, a variant classified as benign is not then subjected to further curation. The score for this variant resulted in a classification of benign for this disease.

NM_003680.4(YARS1):c.1080A>G (p.Pro360=)

Gene: YARS1 (tyrosyl-tRNA synthetase 1; minus strand). Cytogenetic location: 1p35.1.
Variant type: single nucleotide variant.
Coding change: c.1080A>G on transcript NM_003680.4 (MANE Select); coding-DNA position 1080, A replaced by G.
Protein change: p.Pro360=; no amino-acid change (proline 360 retained).
Molecular consequence: synonymous variant.
Genome position (GRCh38, 1-based): chr1:32,781,108, T>C on the plus strand (A>G on the coding strand, the complement: YARS1 is on the minus strand). VCF-style: chr1-32781108-T-C. GRCh37 (hg19) VCF-style: chr1-33246709-T-C.
Identifiers: ClinVar variation 697544 (VCV000697544.16), dbSNP rs752514117, ClinGen allele CA744993.